The following is an entry in ClinVar:

ClinVar aggregate classification (germline): Uncertain significance (1 of 4 stars; one submission).

Conditions:
Familial thoracic aortic aneurysm and aortic dissection (TAAD). Also called: Thoracic aortic aneurysms and dissections. Identifiers: Orphanet 91387, MedGen C4707243, MONDO:0019625.

Allele frequency attached by ClinVar (database versions not stated): gnomAD exomes below 0.00001.

Submission:

All of Us Research Program, National Institutes of Health
Classification: Uncertain significance for Familial thoracic aortic aneurysm and aortic dissection. Last evaluated: 2023-08-15. Review status: criteria provided, single submitter. Criteria: ACMG Guidelines, 2015. Collection method: clinical testing. Allele origin: germline. Inheritance: Autosomal dominant inheritance. Observed: 1 variant allele, 1 heterozygote.
Comment: This missense variant replaces threonine with proline at codon 1160 of the MYH11 protein. Computational prediction is inconclusive regarding the impact of this variant on protein structure and function (internally defined REVEL score threshold 0.5 < inconclusive < 0.7, PMID: 27666373). To our knowledge, functional studies have not been reported for this variant. This variant has not been reported in individuals affected with MYH11-related disorders in the literature. This variant has not been identified in the general population by the Genome Aggregation Database (gnomAD). The available evidence is insufficient to determine the role of this variant in disease conclusively. Therefore, this variant is classified as a Variant of Uncertain Significance.

This study involves interpretation of variants in research participants for the purpose of population health screening. Participant phenotype was not available at the time of variant classification. Additional details can be found in publication PMID: 35346344, PMCID: PMC8962531

NM_002474.3(MYH11):c.3457A>C (p.Thr1153Pro)

Gene: MYH11 (myosin heavy chain 11; minus strand). Cytogenetic location: 16p13.11.
Variant type: single nucleotide variant.
Coding change: c.3457A>C on transcript NM_002474.3 (MANE Select); coding-DNA position 3457, A replaced by C.
Protein change: p.Thr1153Pro; replaces threonine 1153 with proline.
Molecular consequence: missense variant.
Genome position (GRCh38, 1-based): chr16:15,735,415, T>G on the plus strand (A>C on the coding strand, the complement: MYH11 is on the minus strand). VCF-style: chr16-15735415-T-G. GRCh37 (hg19) VCF-style: chr16-15829272-T-G.
Other names: c.3478A>C, p.Thr1160Pro (NM_001040113.2, NM_001040114.2); c.3457A>C, p.Thr1153Pro (NM_022844.3); short protein forms T1153P, T1160P.
Identifiers: ClinVar variation 3073002 (VCV003073002.1), dbSNP rs2506176921, ClinGen allele CA394861832.